The following is an entry in ClinVar:

NM_001793.6(CDH3):c.2058C>T (p.Pro686=)

Gene: CDH3 (cadherin 3; plus strand). Cytogenetic location: 16q22.1.
Variant type: single nucleotide variant.
Coding change: c.2058C>T on transcript NM_001793.6 (MANE Select); coding-DNA position 2058, C replaced by T.
Protein change: p.Pro686=; no amino-acid change (proline 686 retained).
Molecular consequence: synonymous variant.
Genome position (GRCh38, 1-based): chr16:68,695,310, C>T. VCF-style: chr16-68695310-C-T. GRCh37 (hg19) VCF-style: chr16-68729213-C-T.
Other names: c.2058C>T, p.Pro686= (NM_001317195.3); c.1893C>T, p.Pro631= (NM_001317196.2).
Identifiers: ClinVar variation 707957 (VCV000707957.20), dbSNP rs116035854, ClinGen allele CA8129557.

ClinVar aggregate classification (germline): Benign/Likely benign. Review status: criteria provided, multiple submitters, no conflicts (2 of 4 stars). 7 submissions from 7 submitters: Benign (2); Likely benign (3). 2 of the submissions do not count toward it. Last evaluated 2026-01-29.

Conditions:
EEM syndrome (EEMS). Identifiers: Orphanet 1897, MedGen C1857041, MONDO:0009155, OMIM 225280.

Allele frequency attached by ClinVar (database versions not stated): gnomAD exomes 0.00029 and 0.00086; ExAC 0.00101; 1000 Genomes Project 0.00339; gnomAD 0.00343 and 0.00373; 1000 Genomes Project 30x 0.00359; TOPMed 0.00379; ESP Exome Variant Server 0.00423.
gnomAD v4.1: 976 of 1,614,030 alleles (0.06%); highest among the groups gnomAD compares: African/African-American, 1.1%; 4 homozygotes.

Submissions (7):

Labcorp Genetics (formerly Invitae), Labcorp
Classification: Benign. Last evaluated: 2026-01-29. Review status: criteria provided, single submitter. Criteria: Invitae Variant Classification Sherloc (09022015). Collection method: clinical testing. Allele origin: germline.

Blueprint Genetics
Classification: Likely benign. Last evaluated: 2024-10-08. Review status: criteria provided, single submitter. Criteria: ACMG Guidelines, 2015. Collection method: clinical testing. Allele origin: germline.

GeneDx
Classification: Likely benign. Last evaluated: 2021-01-24. Review status: criteria provided, single submitter. Criteria: GeneDx Variant Classification Process June 2021. Collection method: clinical testing. Allele origin: germline. Affected: yes.

Illumina Laboratory Services, Illumina
Classification: Benign for EEM syndrome. Last evaluated: 2018-01-12. Review status: criteria provided, single submitter. Criteria: ICSL Variant Classification Criteria 13 December 2019. Collection method: clinical testing. Allele origin: germline.
Comment: This variant was observed in the ICSL laboratory as part of a predisposition screen in an ostensibly healthy population. It had not been previously curated by ICSL or reported in the Human Gene Mutation Database (HGMD: prior to June 1st, 2018), and was therefore a candidate for classification through an automated scoring system. Utilizing variant allele frequency, disease prevalence and penetrance estimates, and inheritance mode, an automated score was calculated to assess if this variant is too frequent to cause the disease. Based on the score and internal cut-off values, a variant classified as benign is not then subjected to further curation. The score for this variant resulted in a classification of benign for this disease.

Breakthrough Genomics
Classification: Likely benign. Review status: criteria provided, single submitter. Criteria: ACMG Guidelines, 2015. Collection method: not provided. Allele origin: germline. Inheritance: Autosomal recessive inheritance. Affected: yes.

Clinical Genetics DNA and cytogenetics Diagnostics Lab, Erasmus MC, Erasmus Medical Center
Classification: Likely benign. Review status: no assertion criteria provided. Collection method: clinical testing. Allele origin: germline. Affected: yes. Study: VKGL Data-share Consensus. Not counted in ClinVar's aggregate classification.

Clinical Genetics, Academic Medical Center
Classification: Benign. Review status: no assertion criteria provided. Collection method: clinical testing. Allele origin: germline. Affected: yes. Study: VKGL Data-share Consensus. Not counted in ClinVar's aggregate classification.